The following is an entry in ClinVar:

ClinVar aggregate classification (germline): Pathogenic/Likely pathogenic. Review status: criteria provided, multiple submitters, no conflicts (2 of 4 stars). 3 submissions from 3 submitters: Pathogenic (1); Likely pathogenic (1). 1 of the submissions does not count toward it. Last evaluated 2025-01-06.

Conditions:
Combined oxidative phosphorylation defect type 11. Also called: Combined oxidative phosphorylation deficiency 11; ENCEPHALONEUROMYOPATHY, INFANTILE, DUE TO MITOCHONDRIAL TRANSLATION DEFECT. Identifiers: Orphanet 324535, MedGen C5190991, MONDO:0013969, OMIM 614922.

Allele frequency attached by ClinVar (database versions not stated): gnomAD 0.00001; ExAC 0.00002; TOPMed 0.00002; ESP Exome Variant Server 0.00008; 1000 Genomes Project 0.00020; 1000 Genomes Project 30x 0.00031.
gnomAD v4.1: 19 of 1,613,826 alleles (0.0012%); highest among the groups gnomAD compares: Middle Eastern, 0.05%; no homozygotes.

Submissions (3):

Labcorp Genetics (formerly Invitae), Labcorp
Classification: Pathogenic. Last evaluated: 2025-01-06. Review status: criteria provided, single submitter. Criteria: Invitae Variant Classification Sherloc (09022015). Collection method: clinical testing. Allele origin: germline.
Comment: This sequence change replaces threonine, which is neutral and polar, with methionine, which is neutral and non-polar, at codon 178 of the RMND1 protein (p.Thr178Met). This variant is present in population databases (rs370863743, gnomAD 0.009%). This missense change has been observed in individual(s) with RMND1-related conditions (PMID: 27843092, 31506229, 31568715, 35368817). In at least one individual the data is consistent with being in trans (on the opposite chromosome) from a pathogenic variant. It has also been observed to segregate with disease in related individuals. ClinVar contains an entry for this variant (Variation ID: 2136483). Invitae Evidence Modeling of protein sequence and biophysical properties (such as structural, functional, and spatial information, amino acid conservation, physicochemical variation, residue mobility, and thermodynamic stability) indicates that this missense variant is expected to disrupt RMND1 protein function with a positive predictive value of 80%. This variant disrupts the p.Thr178 amino acid residue in RMND1. Other variant(s) that disrupt this residue have been observed in individuals with RMND1-related conditions (PMID: 27412952), which suggests that this may be a clinically significant amino acid residue. For these reasons, this variant has been classified as Pathogenic.

Juno Genomics, Hangzhou Juno Genomics, Inc
Classification: Likely pathogenic for Combined oxidative phosphorylation defect type 11. Review status: criteria provided, single submitter. Criteria: ACMG Guidelines, 2015. Collection method: clinical testing. Allele origin: germline.
Comment: Absent from controls (or at extremely low frequency if recessive) in Genome Aggregation Database.;For recessive disorders, detected in trans with a pathogenic variant.;Patient's phenotype or family history is highly specific for a disease with a single genetic etiology.;Co-segregation with disease in multiple affected family members.

OMIM
Classification: Pathogenic for COMBINED OXIDATIVE PHOSPHORYLATION DEFICIENCY 11. Last evaluated: 2025-05-23. Review status: no assertion criteria provided. Collection method: literature only. Allele origin: germline. Not counted in ClinVar's aggregate classification.

Literature cited by the submitters: PubMed 27843092 (cited by Labcorp Genetics (formerly Invitae), Labcorp); PubMed 31506229 (cited by Labcorp Genetics (formerly Invitae), Labcorp and OMIM); PubMed 31568715 (cited by Labcorp Genetics (formerly Invitae), Labcorp); PubMed 35368817 (cited by Labcorp Genetics (formerly Invitae), Labcorp); PubMed 27412952 (cited by Labcorp Genetics (formerly Invitae), Labcorp).

NM_017909.4(RMND1):c.533C>T (p.Thr178Met)

Gene: RMND1 (required for meiotic nuclear division 1 homolog; minus strand). Cytogenetic location: 6q25.1.
Variant type: single nucleotide variant.
Coding change: c.533C>T on transcript NM_017909.4 (MANE Select); coding-DNA position 533, C replaced by T.
Protein change: p.Thr178Met; replaces threonine 178 with methionine.
Molecular consequence: missense variant.
Genome position (GRCh38, 1-based): chr6:151,436,526, G>A on the plus strand (C>T on the coding strand, the complement: RMND1 is on the minus strand). VCF-style: chr6-151436526-G-A. GRCh37 (hg19) VCF-style: chr6-151757661-G-A.
Other names: c.23C>T, p.Thr8Met (NM_001271937.2); short protein forms T8M, T178M.
Identifiers: ClinVar variation 2136483 (VCV002136483.7), dbSNP rs370863743, ClinGen allele CA4050997.